The following is an entry in ClinVar:

NM_001267550.2(TTN):c.102769C>T (p.Pro34257Ser)

Genes: TTN-AS1 (TTN antisense RNA 1; plus strand), TTN (titin; minus strand). Cytogenetic location: 2q31.2.
Variant type: single nucleotide variant.
Coding change: c.102769C>T on transcript NM_001267550.2 (MANE Select); coding-DNA position 102769, C replaced by T.
Protein change: p.Pro34257Ser; replaces proline 34257 with serine.
Molecular consequence: missense variant.
Genome position (GRCh38, 1-based): chr2:178,533,846, G>A on the plus strand (C>T on the coding strand, the complement: TTN is on the minus strand). VCF-style: chr2-178533846-G-A. GRCh37 (hg19) VCF-style: chr2-179398573-G-A.
Other names: c.97846C>T, p.Pro32616Ser (NM_001256850.1); c.75574C>T, p.Pro25192Ser (NM_003319.4); c.95065C>T, p.Pro31689Ser (NM_133378.4); c.75949C>T, p.Pro25317Ser (NM_133432.3); c.76150C>T, p.Pro25384Ser (NM_133437.4); short protein forms P25192S, P25317S, P25384S, P31689S, P32616S, P34257S.
Identifiers: ClinVar variation 2437433 (VCV002437433.4), dbSNP rs895974400, ClinGen allele CA60958961.
Genomic context (GRCh38, chr2:178,533,846, plus strand): 5'-ACCGGACATTTTCACCTACATAAGCTGTCTTATTATAGAGAGGCAGGGTAAATTCTGGTG[G>A]CCTTTCCAGGAGTCTCATTGTGTCTGTTCTGCGCTTAATTTTCTTCATGGTTCTACGGCA-3'
Protein context (NP_001254479.2, residues 34247-34267): RTDTMRLLER[Pro34257Ser]PEFTLPLYNK

ClinVar aggregate classification (germline): Uncertain significance. Review status: criteria provided, multiple submitters, no conflicts (2 of 4 stars). 2 submissions from 2 submitters: Uncertain significance (2). Last evaluated 2025-12-28.

Conditions:
Dilated cardiomyopathy 1G (CMD1G). Identifiers: Orphanet 154, MedGen C1858763, MONDO:0011400, OMIM 604145.
Autosomal recessive limb-girdle muscular dystrophy type 2J (LGMDR10). Also called: MUSCULAR DYSTROPHY, LIMB-GIRDLE, AUTOSOMAL RECESSIVE 10; Limb-girdle muscular dystrophy, type 2J. Identifiers: Orphanet 140922, MedGen C1837342, MONDO:0012127, OMIM 608807.

Allele frequency attached by ClinVar (database versions not stated): gnomAD exomes below 0.00001.
gnomAD v4.1: 1 of 1,613,938 alleles (0.000062%); highest among the groups gnomAD compares: Admixed American, 0.0017%; no homozygotes.

Submissions (2):

Labcorp Genetics (formerly Invitae), Labcorp
Classification: Uncertain significance for Dilated cardiomyopathy 1G; Autosomal recessive limb-girdle muscular dystrophy type 2J. Last evaluated: 2025-12-28. Review status: criteria provided, single submitter. Criteria: Invitae Variant Classification Sherloc (09022015). Collection method: clinical testing. Allele origin: germline.
Comment: This sequence change replaces proline, which is neutral and non-polar, with serine, which is neutral and polar, at codon 34257 of the TTN protein (p.Pro34257Ser). This variant is not present in population databases (gnomAD no frequency). This variant has not been reported in the literature in individuals affected with TTN-related conditions. ClinVar contains an entry for this variant (Variation ID: 2437433). Experimental studies and prediction algorithms are not available or were not evaluated, and the functional significance of this variant is currently unknown. This variant is located in the M band of TTN (PMID: 25589632). Non-truncating variants in this region may be relevant for neuromuscular disorders, but have not been definitively shown to cause cardiomyopathy (PMID: 23975875). In summary, the available evidence is currently insufficient to determine the role of this variant in disease. Therefore, it has been classified as a Variant of Uncertain Significance.

Revvity Omics, Revvity
Classification: Uncertain significance. Last evaluated: 2019-10-18. Review status: criteria provided, single submitter. Criteria: ACMG Guidelines, 2015. Collection method: clinical testing. Allele origin: germline.

Literature cited by the submitters: PubMed 25589632 (cited by Labcorp Genetics (formerly Invitae), Labcorp); PubMed 23975875 (cited by Labcorp Genetics (formerly Invitae), Labcorp).